The following is an entry in ClinVar:

ClinVar aggregate classification (germline): Uncertain significance. Review status: criteria provided, multiple submitters, no conflicts (2 of 4 stars). 3 submissions from 3 submitters: Uncertain significance (3). Last evaluated 2024-10-22.

Conditions:
Inborn genetic diseases. Identifiers: MedGen C0950123, MeSH D030342.
Developmental and epileptic encephalopathy, 18 (DEE18). Also called: Early infantile epileptic encephalopathy 18. Identifiers: Orphanet 369894, MedGen C3809624, MONDO:0014201, OMIM 615476.

Allele frequency attached by ClinVar (database versions not stated): gnomAD exomes 0.00001; TOPMed 0.00002; gnomAD 0.00001; ExAC 0.00002; ESP Exome Variant Server 0.00017.
gnomAD v4.1: 11 of 1,597,988 alleles (0.00069%); highest among the groups gnomAD compares: African/African-American, 0.0027%; no homozygotes.

Submissions (3):

Ambry Genetics
Classification: Uncertain significance for Inborn genetic diseases. Last evaluated: 2024-10-22. Review status: criteria provided, single submitter. Criteria: Ambry Variant Classification Scheme 2023. Collection method: clinical testing. Allele origin: germline.

Revvity Omics, Revvity
Classification: Uncertain significance for Developmental and epileptic encephalopathy, 18. Last evaluated: 2024-08-01. Review status: criteria provided, single submitter. Criteria: ACMG Guidelines, 2015. Collection method: clinical testing. Allele origin: germline.

Labcorp Genetics (formerly Invitae), Labcorp
Classification: Uncertain significance. Last evaluated: 2021-10-10. Review status: criteria provided, single submitter. Criteria: Invitae Variant Classification Sherloc (09022015). Collection method: clinical testing. Allele origin: germline.
Comment: In summary, the available evidence is currently insufficient to determine the role of this variant in disease. Therefore, it has been classified as a Variant of Uncertain Significance. Algorithms developed to predict the effect of missense changes on protein structure and function (SIFT, PolyPhen-2, Align-GVGD) all suggest that this variant is likely to be tolerated. This variant has not been reported in the literature in individuals affected with SZT2-related conditions. This variant is present in population databases (rs369285042, ExAC 0.003%). This sequence change replaces isoleucine with methionine at codon 608 of the SZT2 protein (p.Ile608Met). The isoleucine residue is weakly conserved and there is a small physicochemical difference between isoleucine and methionine.

NM_001365999.1(SZT2):c.1824C>G (p.Ile608Met)

Gene: SZT2 (SZT2 subunit of KICSTOR complex; plus strand). Cytogenetic location: 1p34.2.
Variant type: single nucleotide variant.
Coding change: c.1824C>G on transcript NM_001365999.1 (MANE Select); coding-DNA position 1824, C replaced by G.
Protein change: p.Ile608Met; replaces isoleucine 608 with methionine.
Molecular consequence: missense variant.
Genome position (GRCh38, 1-based): chr1:43,422,534, C>G. VCF-style: chr1-43422534-C-G. GRCh37 (hg19) VCF-style: chr1-43888205-C-G.
Other names: c.1824C>G (NM_015284.3); c.1824C>G, p.Ile608Met (NM_015284.4); short protein forms I608M.
Identifiers: ClinVar variation 1015512 (VCV001015512.6), dbSNP rs369285042, ClinGen allele CA808523.